The following is an entry in ClinVar:

ClinVar aggregate classification (germline): Uncertain significance (1 of 4 stars; one submission).

Conditions:
Primary ciliary dyskinesia. Also called: Ciliary dyskinesia. Identifiers: Orphanet 244, MedGen C0008780, MONDO:0016575, HP:0012265.

Submission:

Labcorp Genetics (formerly Invitae), Labcorp
Classification: Uncertain significance for Primary ciliary dyskinesia. Last evaluated: 2024-01-02. Review status: criteria provided, single submitter. Criteria: Invitae Variant Classification Sherloc (09022015). Collection method: clinical testing. Allele origin: germline.
Comment: This sequence change replaces alanine, which is neutral and non-polar, with glutamic acid, which is acidic and polar, at codon 271 of the RSPH1 protein (p.Ala271Glu). This variant is not present in population databases (gnomAD no frequency). This variant has not been reported in the literature in individuals affected with RSPH1-related conditions. An algorithm developed to predict the effect of missense changes on protein structure and function (PolyPhen-2) suggests that this variant is likely to be tolerated. In summary, the available evidence is currently insufficient to determine the role of this variant in disease. Therefore, it has been classified as a Variant of Uncertain Significance.

NM_080860.4(RSPH1):c.812C>A (p.Ala271Glu)

Gene: RSPH1 (radial spoke head component 1; minus strand). Cytogenetic location: 21q22.3.
Variant type: single nucleotide variant.
Coding change: c.812C>A on transcript NM_080860.4 (MANE Select); coding-DNA position 812, C replaced by A.
Protein change: p.Ala271Glu; replaces alanine 271 with glutamic acid.
Molecular consequence: missense variant.
Genome position (GRCh38, 1-based): chr21:42,475,963, G>T on the plus strand (C>A on the coding strand, the complement: RSPH1 is on the minus strand). VCF-style: chr21-42475963-G-T. GRCh37 (hg19) VCF-style: chr21-43896073-G-T.
Other names: c.698C>A, p.Ala233Glu (NM_001286506.2); short protein forms A233E, A271E.
Identifiers: ClinVar variation 2717886 (VCV002717886.3), dbSNP rs2517329348, ClinGen allele CA410362076.